The following is an entry in ClinVar:

NM_000067.3(CA2):c.430G>A (p.Gly144Ser)

Gene: CA2 (carbonic anhydrase 2; plus strand). Cytogenetic location: 8q21.2.
Variant type: single nucleotide variant.
Coding change: c.430G>A on transcript NM_000067.3 (MANE Select); coding-DNA position 430, G replaced by A.
Protein change: p.Gly144Ser; replaces glycine 144 with serine.
Molecular consequence: missense variant.
Genome position (GRCh38, 1-based): chr8:85,474,402, G>A. VCF-style: chr8-85474402-G-A. GRCh37 (hg19) VCF-style: chr8-86386631-G-A.
Other names: c.127G>A, p.Gly43Ser (NM_001293675.2); short protein forms G43S, G144S.
Identifiers: ClinVar variation 2123649 (VCV002123649.1), dbSNP rs1811758558, ClinGen allele CA371428974.

ClinVar aggregate classification (germline): Uncertain significance (1 of 4 stars; one submission).

Submission:

Labcorp Genetics (formerly Invitae), Labcorp
Classification: Uncertain significance. Last evaluated: 2022-07-27. Review status: criteria provided, single submitter. Criteria: Invitae Variant Classification Sherloc (09022015). Collection method: clinical testing. Allele origin: germline.
Comment: This sequence change replaces glycine, which is neutral and non-polar, with serine, which is neutral and polar, at codon 144 of the CA2 protein (p.Gly144Ser). This variant is not present in population databases (gnomAD no frequency). This variant has not been reported in the literature in individuals affected with CA2-related conditions. Algorithms developed to predict the effect of missense changes on protein structure and function are either unavailable or do not agree on the potential impact of this missense change (SIFT: "Deleterious"; PolyPhen-2: "Probably Damaging"; Align-GVGD: "Class C0"). Algorithms developed to predict the effect of sequence changes on RNA splicing suggest that this variant may disrupt the consensus splice site. This variant disrupts the p.Gly144 amino acid residue in CA2. Other variant(s) that disrupt this residue have been determined to be pathogenic (PMID: 15300855). This suggests that this residue is clinically significant, and that variants that disrupt this residue are likely to be disease-causing. In summary, the available evidence is currently insufficient to determine the role of this variant in disease. Therefore, it has been classified as a Variant of Uncertain Significance.

Literature cited by the submitters: PubMed 15300855.